The following is an entry in ClinVar:

NM_001122681.2(SH3BP2):c.393C>G (p.His131Gln)

Gene: SH3BP2 (SH3 domain binding protein 2; plus strand). Cytogenetic location: 4p16.3.
Variant type: single nucleotide variant.
Coding change: c.393C>G on transcript NM_001122681.2 (MANE Select); coding-DNA position 393, C replaced by G.
Protein change: p.His131Gln; replaces histidine 131 with glutamine.
Molecular consequence: missense variant.
Genome position (GRCh38, 1-based): chr4:2,825,161, C>G. VCF-style: chr4-2825161-C-G. GRCh37 (hg19) VCF-style: chr4-2826888-C-G.
Other names: c.477C>G, p.His159Gln (NM_001145855.2); c.564C>G, p.His188Gln (NM_001145856.2); c.393C>G, p.His131Gln (NM_003023.4); short protein forms H131Q, H159Q, H188Q.
Identifiers: ClinVar variation 1514025 (VCV001514025.8), dbSNP rs781060795, ClinGen allele CA2819062.

ClinVar aggregate classification (germline): Uncertain significance (1 of 4 stars; one submission).

Conditions:
Fibrous dysplasia of jaw (CRBM). Also called: Cherubism. Identifiers: Orphanet 184, MedGen C0008029, MONDO:0007315, OMIM 118400.

Allele frequency attached by ClinVar (database versions not stated): gnomAD exomes below 0.00001 and 0.00001; ExAC 0.00003.
gnomAD v4.1: 4 of 1,583,850 alleles (0.00025%); highest among the groups gnomAD compares: South Asian, 0.0046%; no homozygotes.

Submission:

Labcorp Genetics (formerly Invitae), Labcorp
Classification: Uncertain significance for Fibrous dysplasia of jaw. Last evaluated: 2022-09-27. Review status: criteria provided, single submitter. Criteria: Invitae Variant Classification Sherloc (09022015). Collection method: clinical testing. Allele origin: germline.
Comment: In summary, the available evidence is currently insufficient to determine the role of this variant in disease. Therefore, it has been classified as a Variant of Uncertain Significance. Advanced modeling of protein sequence and biophysical properties (such as structural, functional, and spatial information, amino acid conservation, physicochemical variation, residue mobility, and thermodynamic stability) performed at Invitae indicates that this missense variant is not expected to disrupt SH3BP2 protein function. ClinVar contains an entry for this variant (Variation ID: 1514025). This variant has not been reported in the literature in individuals affected with SH3BP2-related conditions. This variant is present in population databases (rs781060795, gnomAD 0.008%). This sequence change replaces histidine, which is basic and polar, with glutamine, which is neutral and polar, at codon 131 of the SH3BP2 protein (p.His131Gln).